The following is an entry in ClinVar:

NM_000368.5(TSC1):c.2895A>T (p.Leu965Phe)

Gene: TSC1 (TSC complex subunit 1; minus strand). Cytogenetic location: 9q34.13.
Variant type: single nucleotide variant.
Coding change: c.2895A>T on transcript NM_000368.5 (MANE Select); coding-DNA position 2895, A replaced by T.
Protein change: p.Leu965Phe; replaces leucine 965 with phenylalanine.
Molecular consequence: missense variant.
Genome position (GRCh38, 1-based): chr9:132,897,264, T>A on the plus strand (A>T on the coding strand, the complement: TSC1 is on the minus strand). VCF-style: chr9-132897264-T-A. GRCh37 (hg19) VCF-style: chr9-135772651-T-A.
Other names: c.2892A>T, p.Leu964Phe (NM_001162426.2); c.2742A>T, p.Leu914Phe (NM_001162427.2); c.2532A>T, p.Leu844Phe (NM_001362177.2); short protein forms L844F, L965F, L914F, L964F.
Identifiers: ClinVar variation 851387 (VCV000851387.10), dbSNP rs750886491, ClinGen allele CA375368766.

ClinVar aggregate classification (germline): Uncertain significance (1 of 4 stars; one submission).

Conditions:
Tuberous sclerosis 1 (TSC1). Identifiers: Orphanet 805, MedGen C1854465, MONDO:0008612, OMIM 191100.

Submission:

Labcorp Genetics (formerly Invitae), Labcorp
Classification: Uncertain significance for Tuberous sclerosis 1. Last evaluated: 2019-12-24. Review status: criteria provided, single submitter. Criteria: Invitae Variant Classification Sherloc (09022015). Collection method: clinical testing. Allele origin: germline.
Comment: This sequence change replaces leucine with phenylalanine at codon 965 of the TSC1 protein (p.Leu965Phe). The leucine residue is highly conserved and there is a small physicochemical difference between leucine and phenylalanine. This variant is not present in population databases (ExAC no frequency). This variant has not been reported in the literature in individuals with TSC1-related conditions. Algorithms developed to predict the effect of missense changes on protein structure and function are either unavailable or do not agree on the potential impact of this missense change (SIFT: "Deleterious"; PolyPhen-2: "Probably Damaging"; Align-GVGD: "Class C0"). In summary, the available evidence is currently insufficient to determine the role of this variant in disease. Therefore, it has been classified as a Variant of Uncertain Significance.